The following is an entry in ClinVar:

NM_004336.5(BUB1):c.688G>A (p.Asp230Asn)

Gene: BUB1 (BUB1 mitotic checkpoint serine/threonine kinase; minus strand). Cytogenetic location: 2q13.
Variant type: single nucleotide variant.
Coding change: c.688G>A on transcript NM_004336.5 (MANE Select); coding-DNA position 688, G replaced by A.
Protein change: p.Asp230Asn; replaces aspartic acid 230 with asparagine.
Molecular consequence: missense variant.
Genome position (GRCh38, 1-based): chr2:110,667,638, C>T on the plus strand (G>A on the coding strand, the complement: BUB1 is on the minus strand). VCF-style: chr2-110667638-C-T. GRCh37 (hg19) VCF-style: chr2-111425215-C-T.
Other names: c.628G>A, p.Asp210Asn (NM_001278616.2); c.688G>A, p.Asp230Asn (NM_001278617.2); short protein forms D230N, D210N.
Identifiers: ClinVar variation 1755991 (VCV001755991.2), dbSNP rs2468028331, ClinGen allele CA348217862.

ClinVar aggregate classification (germline): Uncertain significance (1 of 4 stars; one submission).

Submission:

Ambry Genetics
Classification: Uncertain significance. Last evaluated: 2022-04-01. Review status: criteria provided, single submitter. Criteria: Ambry Variant Classification Scheme 2023. Collection method: clinical testing. Allele origin: germline.
Comment: The p.D230N variant (also known as c.688G>A), located in coding exon 8 of the BUB1 gene, results from a G to A substitution at nucleotide position 688. The aspartic acid at codon 230 is replaced by asparagine, an amino acid with highly similar properties. This amino acid position is conserved. In addition, this alteration is predicted to be tolerated by in silico analysis. Since supporting evidence is limited at this time, the clinical significance of this alteration remains unclear.